The following is an entry in ClinVar:

NM_000463.3(UGT1A1):c.1022G>A (p.Arg341Gln)

Genes: UGT1A9 (UDP glucuronosyltransferase family 1 member A9; plus strand), UGT1A10 (UDP glucuronosyltransferase family 1 member A10; plus strand), UGT1A6 (UDP glucuronosyltransferase family 1 member A6; plus strand), UGT1A4 (UDP glucuronosyltransferase family 1 member A4; plus strand), UGT1A5 (UDP glucuronosyltransferase family 1 member A5; plus strand) and 5 more. Cytogenetic location: 2q37.1.
Variant type: single nucleotide variant.
Coding change: c.1022G>A on transcript NM_000463.3 (MANE Select); coding-DNA position 1022, G replaced by A.
Protein change: p.Arg341Gln; replaces arginine 341 with glutamine.
Molecular consequence: missense variant.
Genome position (GRCh38, 1-based): chr2:233,767,874, G>A. VCF-style: chr2-233767874-G-A. GRCh37 (hg19) VCF-style: chr2-234676520-G-A.
Other names: c.1013G>A, p.Arg338Gln (NM_019075.4, NM_019076.5, NM_019077.3 and 1 more transcripts); c.1019G>A, p.Arg340Gln (NM_001072.4); c.218G>A, p.Arg73Gln (NM_205862.3); c.1025G>A, p.Arg342Gln (NM_019078.2, NM_007120.3, NM_019093.4); short protein forms R338Q, R341Q, R340Q, R342Q, R73Q.
Identifiers: ClinVar variation 1428088 (VCV001428088.7), dbSNP rs780354743, ClinGen allele CA2179966.

ClinVar aggregate classification (germline): Uncertain significance. Review status: criteria provided, single submitter (1 of 4 stars). 2 submissions from 2 submitters: Uncertain significance (1). 1 of the submissions does not count toward it. Last evaluated 2021-10-12.

Conditions:
Gilbert syndrome. Also called: Gilbert Disease; Gilbert's syndrome; HYPERBILIRUBINEMIA I; HYPERBILIRUBINEMIA, ARIAS TYPE; HYPERBILIRUBINEMIA, GILBERT TYPE. Identifiers: MedGen C0017551, MONDO:0007745, OMIM 143500.

Allele frequency attached by ClinVar (database versions not stated): gnomAD 0.00001; ExAC 0.00002; gnomAD exomes 0.00002; TOPMed 0.00005.
gnomAD v4.1: 28 of 1,613,980 alleles (0.0017%); highest among the groups gnomAD compares: Admixed American, 0.01%; no homozygotes.

Submissions (2):

Labcorp Genetics (formerly Invitae), Labcorp
Classification: Uncertain significance. Last evaluated: 2021-10-12. Review status: criteria provided, single submitter. Criteria: Invitae Variant Classification Sherloc (09022015). Collection method: clinical testing. Allele origin: germline.
Comment: In summary, the available evidence is currently insufficient to determine the role of this variant in disease. Therefore, it has been classified as a Variant of Uncertain Significance. Algorithms developed to predict the effect of missense changes on protein structure and function are either unavailable or do not agree on the potential impact of this missense change (SIFT: "Not Available"; PolyPhen-2: "Benign"; Align-GVGD: "Not Available"). This variant has not been reported in the literature in individuals affected with UGT1A1-related conditions. This variant is present in population databases (rs780354743, ExAC 0.009%). This sequence change replaces arginine with glutamine at codon 341 of the UGT1A1 protein (p.Arg341Gln). The arginine residue is weakly conserved and there is a small physicochemical difference between arginine and glutamine.

Department of Gastroenterology, Ruijin Hospital, Shanghai Jiao Tong University, School of Medicine
Classification: Uncertain significance for Gilbert syndrome. Review status: no assertion criteria provided. Collection method: clinical testing. Allele origin: unknown. Affected: no. Not counted in ClinVar's aggregate classification.